The following is an entry in ClinVar:

ClinVar aggregate classification (germline): Likely benign. Review status: criteria provided, multiple submitters, no conflicts (2 of 4 stars). 4 submissions from 4 submitters: Likely benign (4). Last evaluated 2025-09-24.

Conditions:
Cardiovascular phenotype. Identifiers: MedGen CN230736.
CACNB2-related disorder. Also called: CACNB2-related condition.
Brugada syndrome 4 (BRGDA4). Identifiers: Orphanet 130, MedGen C2678477, MONDO:0012743, OMIM 611876.

Allele frequency attached by ClinVar (database versions not stated): TOPMed 0.00002.
gnomAD v4.1: 10 of 1,613,820 alleles (0.00062%); highest among the groups gnomAD compares: Middle Eastern, 0.033%; no homozygotes.

Submissions (4):

PreventionGenetics, part of Exact Sciences
Classification: Likely benign for CACNB2-related condition. Last evaluated: 2025-09-24. Review status: criteria provided, single submitter. Criteria: ACMG Guidelines, 2015. Collection method: clinical testing. Allele origin: germline.
Comment: This variant is classified as likely benign based on ACMG/AMP sequence variant interpretation guidelines (Richards et al. 2015 PMID: 25741868, with internal and published modifications).

Women's Health and Genetics/Laboratory Corporation of America, LabCorp
Classification: Likely benign. Last evaluated: 2025-03-17. Review status: criteria provided, single submitter. Criteria: LabCorp Variant Classification Summary - May 2015. Collection method: clinical testing. Allele origin: germline.

Labcorp Genetics (formerly Invitae), Labcorp
Classification: Likely benign for Brugada syndrome 4. Last evaluated: 2024-11-07. Review status: criteria provided, single submitter. Criteria: Invitae Variant Classification Sherloc (09022015). Collection method: clinical testing. Allele origin: germline.

Ambry Genetics
Classification: Likely benign for Cardiovascular phenotype. Last evaluated: 2023-11-05. Review status: criteria provided, single submitter. Criteria: Ambry Variant Classification Scheme 2023. Collection method: clinical testing. Allele origin: germline.

NM_201596.3(CACNB2):c.1776C>T (p.Asp592=)

Gene: CACNB2 (calcium voltage-gated channel auxiliary subunit beta 2; plus strand). Cytogenetic location: 10p12.31.
Variant type: single nucleotide variant.
Coding change: c.1776C>T on transcript NM_201596.3 (MANE Select); coding-DNA position 1776, C replaced by T.
Protein change: p.Asp592=; no amino-acid change (aspartic acid 592 retained).
Molecular consequence: synonymous variant.
Genome position (GRCh38, 1-based): chr10:18,539,517, C>T. VCF-style: chr10-18539517-C-T. GRCh37 (hg19) VCF-style: chr10-18828446-C-T.
Other names: c.1611C>T, p.Asp537= (NM_000724.4); c.1578C>T, p.Asp526= (NM_001167945.2); c.1497C>T, p.Asp499= (NM_001330060.2); c.1632C>T, p.Asp544= (NM_201570.3); c.1692C>T, p.Asp564= (NM_201571.4); c.1620C>T, p.Asp540= (NM_201572.4); c.1614C>T, p.Asp538= (NM_201590.3); c.1662C>T, p.Asp554= (NM_201593.3); and 1 more.
Identifiers: ClinVar variation 416838 (VCV000416838.14), dbSNP rs144182966, ClinGen allele CA5430167.
Genomic context (GRCh38, chr10:18,539,517, plus strand): 5'-AGATTATTCCCATGACCACGTGGACCACTATGCCTCACACCGTGACCACAACCACAGAGA[C>T]GAGACCCACGGGAGCAGTGACCACAGACACAGGGAGTCCCGGCACCGTTCCCGGGACGTG-3'
Protein context (NP_963890.2, residues 582-602): YASHRDHNHR[Asp592=]ETHGSSDHRH